The following is an entry in ClinVar:

NM_015041.3(CLUAP1):c.683G>A (p.Arg228Gln)

Gene: CLUAP1 (clusterin associated protein 1; plus strand). Cytogenetic location: 16p13.3.
Variant type: single nucleotide variant.
Coding change: c.683G>A on transcript NM_015041.3 (MANE Select); coding-DNA position 683, G replaced by A.
Protein change: p.Arg228Gln; replaces arginine 228 with glutamine.
Molecular consequence: missense variant.
Genome position (GRCh38, 1-based): chr16:3,520,006, G>A. VCF-style: chr16-3520006-G-A. GRCh37 (hg19) VCF-style: chr16-3570006-G-A.
Other names: c.683G>A, p.Arg228Gln (NM_001330454.2); c.683G>A (NM_015041.1); c.185G>A, p.Arg62Gln (NM_024793.3); short protein forms R228Q, R62Q.
Identifiers: ClinVar variation 849111 (VCV000849111.10), dbSNP rs761897891, ClinGen allele CA7863818.

ClinVar aggregate classification (germline): Uncertain significance. Review status: criteria provided, multiple submitters, no conflicts (2 of 4 stars). 2 submissions from 2 submitters: Uncertain significance (2). Last evaluated 2025-05-05.

Allele frequency attached by ClinVar (database versions not stated): ExAC 0.00002; gnomAD 0.00002; TOPMed 0.00002; gnomAD exomes 0.00003.
gnomAD v4.1: 16 of 1,613,278 alleles (0.00099%); highest among the groups gnomAD compares: Admixed American, 0.0084%; no homozygotes.

Submissions (2):

Ambry Genetics
Classification: Uncertain significance. Last evaluated: 2025-05-05. Review status: criteria provided, single submitter. Criteria: Ambry Variant Classification Scheme 2023. Collection method: clinical testing. Allele origin: germline.

Labcorp Genetics (formerly Invitae), Labcorp
Classification: Uncertain significance. Last evaluated: 2024-08-11. Review status: criteria provided, single submitter. Criteria: Invitae Variant Classification Sherloc (09022015). Collection method: clinical testing. Allele origin: germline.
Comment: This sequence change replaces arginine, which is basic and polar, with glutamine, which is neutral and polar, at codon 228 of the CLUAP1 protein (p.Arg228Gln). This variant is present in population databases (rs761897891, gnomAD 0.02%). This variant has not been reported in the literature in individuals affected with CLUAP1-related conditions. ClinVar contains an entry for this variant (Variation ID: 849111). Advanced modeling of protein sequence and biophysical properties (such as structural, functional, and spatial information, amino acid conservation, physicochemical variation, residue mobility, and thermodynamic stability) performed at Invitae indicates that this missense variant is not expected to disrupt CLUAP1 protein function with a negative predictive value of 80%. In summary, the available evidence is currently insufficient to determine the role of this variant in disease. Therefore, it has been classified as a Variant of Uncertain Significance.